The following is an entry in ClinVar:

ClinVar aggregate classification (germline): Conflicting classifications of pathogenicity. Review status: criteria provided, conflicting classifications (1 of 4 stars). 9 submissions from 9 submitters: Uncertain significance (8); Likely benign (1). Last evaluated 2026-01-27.

Conditions:
ALK-related disorder. Also called: ALK-related condition.
Hereditary cancer-predisposing syndrome. Also called: Neoplastic Syndromes, Hereditary; Tumor predisposition; Hereditary Cancer Syndrome; Hereditary neoplastic syndrome. Identifiers: Orphanet 140162, MedGen C0027672, MeSH D009386, MONDO:0015356.
Neuroblastoma, susceptibility to, 3. Also called: ALK-Related Neuroblastic Tumor Susceptibility. Identifiers: Orphanet 635, MedGen C2751681, MONDO:0013083, OMIM 613014.

Allele frequency attached by ClinVar (database versions not stated): gnomAD 0.00004; gnomAD exomes 0.00004; ExAC 0.00005; TOPMed 0.00005; ESP Exome Variant Server 0.00008.
gnomAD v4.1: 65 of 1,614,084 alleles (0.004%); highest among the groups gnomAD compares: Middle Eastern, 0.049%; no homozygotes.

Submissions (9):

Labcorp Genetics (formerly Invitae), Labcorp
Classification: Uncertain significance for Neuroblastoma, susceptibility to, 3. Last evaluated: 2026-01-27. Review status: criteria provided, single submitter. Criteria: Invitae Variant Classification Sherloc (09022015). Collection method: clinical testing. Allele origin: germline.
Comment: This sequence change replaces alanine, which is neutral and non-polar, with threonine, which is neutral and polar, at codon 1601 of the ALK protein (p.Ala1601Thr). This variant is present in population databases (rs376702277, gnomAD 0.007%). This variant has not been reported in the literature in individuals affected with ALK-related conditions. ClinVar contains an entry for this variant (Variation ID: 404328). An algorithm developed to predict the effect of missense changes on protein structure and function outputs the following: PolyPhen-2: "Benign". The threonine amino acid residue is found in multiple mammalian species, which suggests that this missense change does not adversely affect protein function. In summary, the available evidence is currently insufficient to determine the role of this variant in disease. Therefore, it has been classified as a Variant of Uncertain Significance.

Dasa
Classification: Uncertain significance. Last evaluated: 2025-07-08. Review status: criteria provided, single submitter. Criteria: DASA Assertion Criteria. Collection method: clinical testing. Allele origin: germline.
Comment: NM_004304.5(ALK):c.4801G>A (p.Ala1601Thr) is a missense variant that results in the substitution of alanine with threonine. This variant is rare in population databases. Computational prediction algorithms are consistent with a benign effect. The currently available literature and clinical evidence are not sufficient to establish a definitive association between this variant and the reported condition. Therefore, this variant is classified as a variant of uncertain significance.

PreventionGenetics, part of Exact Sciences
Classification: Uncertain significance for ALK-related condition. Last evaluated: 2025-05-29. Review status: criteria provided, single submitter. Criteria: ACMG Guidelines, 2015. Collection method: clinical testing. Allele origin: germline.
Comment: The ALK c.4801G>A variant is predicted to result in the amino acid substitution p.Ala1601Thr. To our knowledge, this variant has not been reported in the literature. This variant is reported in 0.0062% of alleles in individuals of European (Non-Finnish) descent in gnomAD and is interpreted as uncertain significance in ClinVar. At this time, the clinical significance of this variant is uncertain due to the absence of conclusive functional and genetic evidence.

GeneDx
Classification: Uncertain significance. Last evaluated: 2025-03-13. Review status: criteria provided, single submitter. Criteria: GeneDx Variant Classification Process June 2021. Collection method: clinical testing. Allele origin: germline.
Comment: In silico analysis indicates that this missense variant does not alter protein structure/function; Has not been previously published as pathogenic or benign to our knowledge

St. Jude Molecular Pathology, St. Jude Children's Research Hospital
Classification: Uncertain significance for Neuroblastoma, susceptibility to, 3. Last evaluated: 2024-01-29. Review status: criteria provided, single submitter. Criteria: St. Jude Assertion Criteria 2020. Collection method: clinical testing. Allele origin: germline.
Comment: The ALK c.4801G>A (p.Ala1601Thr) missense change has a maximum subpopulation frequency of 0.006% in gnomAD v2.1.1. The in silico tool REVEL predicts a benign effect on protein function, but to our knowledge this prediction has not been confirmed by functional studies. To our knowledge, this variant has not been reported in individuals with ALK-related neuroblastic tumor susceptibility. In summary, the evidence currently available is insufficient to determine the clinical significance of this variant. It has therefore been classified as of uncertain significance.

Genetic Services Laboratory, University of Chicago
Classification: Uncertain significance. Last evaluated: 2023-05-04. Review status: criteria provided, single submitter. Criteria: ACMG Guidelines, 2015. Collection method: clinical testing. Allele origin: germline. Affected: no.
Comment: DNA sequence analysis of the ALK gene demonstrated a sequence change, c.4801G>A, in exon 29 that results in an amino acid change, p.Ala1601Thr. This sequence change does not appear to have been previously described in individuals with ALK-related disorders. This sequence change has been described in the gnomAD database with a frequency of 0.006% in the European subpopulation (dbSNP rs376702277). The p.Ala1601Thr change affects a poorly conserved amino acid residue located in a domain of the ALK protein that is known to be functional. The p.Ala1601Thr substitution appears to be benign using several in-silico pathogenicity prediction tools (SIFT, PolyPhen2, Align GVGD, REVEL). Due to insufficient evidences and the lack of functional studies, the clinical significance of the p.Ala1601Thr change remains unknown at this time.

Ambry Genetics
Classification: Likely benign for Hereditary cancer-predisposing syndrome. Last evaluated: 2022-01-07. Review status: criteria provided, single submitter. Criteria: Ambry Variant Classification Scheme 2023. Collection method: clinical testing. Allele origin: germline.

Fulgent Genetics
Classification: Uncertain significance for Neuroblastoma, susceptibility to, 3. Last evaluated: 2018-10-31. Review status: criteria provided, single submitter. Criteria: ACMG Guidelines, 2015. Collection method: clinical testing. Allele origin: unknown.

Breakthrough Genomics
Classification: Uncertain significance. Review status: criteria provided, single submitter. Criteria: ACMG Guidelines, 2015. Collection method: not provided. Allele origin: germline. Inheritance: Unknown mechanism. Affected: yes.

NM_004304.5(ALK):c.4801G>A (p.Ala1601Thr)

Gene: ALK (ALK receptor tyrosine kinase; minus strand). Cytogenetic location: 2p23.2.
Variant type: single nucleotide variant.
Coding change: c.4801G>A on transcript NM_004304.5 (MANE Select); coding-DNA position 4801, G replaced by A.
Protein change: p.Ala1601Thr; replaces alanine 1601 with threonine.
Molecular consequence: missense variant.
Genome position (GRCh38, 1-based): chr2:29,193,286, C>T on the plus strand (G>A on the coding strand, the complement: ALK is on the minus strand). VCF-style: chr2-29193286-C-T. GRCh37 (hg19) VCF-style: chr2-29416152-C-T.
Other names: c.1597G>A, p.Ala533Thr (NM_001353765.2); c.4801G>A (NM_004304.3); short protein forms A1601T, A533T.
Identifiers: ClinVar variation 404328 (VCV000404328.21), dbSNP rs376702277, ClinGen allele CA1593478.
Genomic context (GRCh38, chr2:29,193,286, plus strand): 5'-AGGGCCCAGGCTGGTTCATGCTATTCTTGCTTTTCAGAATGGTATCCTCGTAATGACCAG[C>T]TCCAGGGGCAGTAGCGGCTTCTAAGGGCAAGCCCTGTTGCTGGTAGCCGTAATTGACATT-3'
Protein context (NP_004295.2, residues 1591-1611): LPLEAATAPG[Ala1601Thr]GHYEDTILKS